The following is an entry in ClinVar:

NM_003970.4(MYOM2):c.1833C>A (p.Val611=)

Gene: MYOM2 (myomesin 2; plus strand). Cytogenetic location: 8p23.3.
Variant type: single nucleotide variant.
Coding change: c.1833C>A on transcript NM_003970.4 (MANE Select); coding-DNA position 1833, C replaced by A.
Protein change: p.Val611=; no amino-acid change (valine 611 retained).
Molecular consequence: synonymous variant.
Genome position (GRCh38, 1-based): chr8:2,092,350, C>A. VCF-style: chr8-2092350-C-A. GRCh37 (hg19) VCF-style: chr8-2040178-C-A.
Identifiers: ClinVar variation 3038640 (VCV003038640.2), dbSNP rs34004023, ClinGen allele CA170455920.

ClinVar aggregate classification (germline): Benign (0 of 4 stars; one submission).

Conditions:
MYOM2-related disorder. Also called: MYOM2-related condition.

Allele frequency attached by ClinVar (database versions not stated): 1000 Genomes Project 0.00379; 1000 Genomes Project 30x 0.00406; ExAC 0.00637; ESP Exome Variant Server 0.00661.
gnomAD v4.1: 13,493 of 1,613,722 alleles (0.84%); highest among the groups gnomAD compares: Middle Eastern, 2.4%; 96 homozygotes.

Submission:

PreventionGenetics, part of Exact Sciences
Classification: Benign for MYOM2-related condition. Last evaluated: 2019-02-20. Review status: no assertion criteria provided. Collection method: clinical testing. Allele origin: germline.
Comment: This variant is classified as benign based on ACMG/AMP sequence variant interpretation guidelines (Richards et al. 2015 PMID: 25741868, with internal and published modifications).